The following is an entry in ClinVar:

NM_001002295.2(GATA3):c.1001A>G (p.Asn334Ser)

Gene: GATA3 (GATA binding protein 3; plus strand). Cytogenetic location: 10p14.
Variant type: single nucleotide variant.
Coding change: c.1001A>G on transcript NM_001002295.2 (MANE Select); coding-DNA position 1001, A replaced by G.
Protein change: p.Asn334Ser; replaces asparagine 334 with serine.
Molecular consequence: missense variant.
Genome position (GRCh38, 1-based): chr10:8,069,549, A>G. VCF-style: chr10-8069549-A-G. GRCh37 (hg19) VCF-style: chr10-8111512-A-G.
Other names: c.998A>G, p.Asn333Ser (NM_002051.3); short protein forms N333S, N334S.
Identifiers: ClinVar variation 3391351 (VCV003391351.1).

ClinVar aggregate classification (germline): Uncertain significance (1 of 4 stars; one submission).

Conditions:
Hypoparathyroidism, deafness, renal disease syndrome (HDRS). Also called: HYPOPARATHYROIDISM, SENSORINEURAL DEAFNESS, AND RENAL DYSPLASIA SYNDROME. Identifiers: Orphanet 2237, MedGen C1840333, MONDO:0007797, OMIM 146255.

gnomAD v4.1: 8 of 1,613,906 alleles (0.0005%); highest among the groups gnomAD compares: South Asian, 0.0011%; no homozygotes.

Submission:

Neuberg Centre For Genomic Medicine, NCGM
Classification: Uncertain significance for Hypoparathyroidism, deafness, renal disease syndrome. Last evaluated: 2023-07-22. Review status: criteria provided, single submitter. Criteria: ACMG Guidelines, 2015. Collection method: clinical testing. Allele origin: germline. Inheritance: Autosomal dominant inheritance. Affected: yes.
Comment: The observed missense variant c.1001A>Gp.Asn334Ser in GATA3 gene has not been reported previously as a pathogenic variant nor as a benign variant, to our knowledge. This variant is reported with 0.002% allele frequency in gnomAD Exomes. The amino acid Asn at position 334 is changed to a Ser changing protein sequence and it might alter its composition and physico-chemical properties. Computational evidence Polyphen-Benign, SIFT-Tolerated and Mutation Taster-disease causing predicts conflicting evidence on protein structure and function for this variant. The reference amino acid p.Asn334Ser in GATA3 is predicted as conserved by GERP++ and PhyloP across 100 vertebrates. For these reasons, this variant has been classified as Uncertain Significance. Digenic inheritance is not known with this gene.